The following is an entry in ClinVar:

ClinVar aggregate classification (germline): Uncertain significance. Review status: criteria provided, multiple submitters, no conflicts (2 of 4 stars). 2 submissions from 2 submitters: Uncertain significance (2). Last evaluated 2025-05-02.

Allele frequency attached by ClinVar (database versions not stated): ExAC 0.00004; 1000 Genomes Project 0.00020; gnomAD 0.00004; TOPMed 0.00004; gnomAD exomes 0.00006; 1000 Genomes Project 30x 0.00031.
gnomAD v4.1: 102 of 1,613,402 alleles (0.0063%); highest among the groups gnomAD compares: Non-Finnish European, 0.0079%; no homozygotes.

Submissions (2):

Labcorp Genetics (formerly Invitae), Labcorp
Classification: Uncertain significance. Last evaluated: 2025-05-02. Review status: criteria provided, single submitter. Criteria: Invitae Variant Classification Sherloc (09022015). Collection method: clinical testing. Allele origin: germline.
Comment: This sequence change replaces arginine, which is basic and polar, with cysteine, which is neutral and slightly polar, at codon 700 of the PLD1 protein (p.Arg700Cys). This variant is present in population databases (rs201247680, gnomAD 0.01%). This missense change has been observed in individual(s) with PLD1-related conditions (PMID: 33645542). ClinVar contains an entry for this variant (Variation ID: 1310434). Invitae Evidence Modeling of protein sequence and biophysical properties (such as structural, functional, and spatial information, amino acid conservation, physicochemical variation, residue mobility, and thermodynamic stability) indicates that this missense variant is expected to disrupt PLD1 protein function with a positive predictive value of 80%. Algorithms developed to predict the effect of sequence changes on RNA splicing suggest that this variant may disrupt the consensus splice site. In summary, the available evidence is currently insufficient to determine the role of this variant in disease. Therefore, it has been classified as a Variant of Uncertain Significance.

GeneDx
Classification: Uncertain significance. Last evaluated: 2019-11-13. Review status: criteria provided, single submitter. Criteria: GeneDx Variant Classification Process June 2021. Collection method: clinical testing. Allele origin: germline. Affected: yes.
Comment: In silico analysis, which includes protein predictors and evolutionary conservation, supports a deleterious effect; Has not been previously published as pathogenic or benign to our knowledge; Variants in candidate genes are classified as variants of uncertain significance in accordance with ACMG guidelines (Richards et al., 2015)

Literature cited by the submitters: PubMed 33645542 (cited by Labcorp Genetics (formerly Invitae), Labcorp).

NM_002662.5(PLD1):c.2098C>T (p.Arg700Cys)

Gene: PLD1 (phospholipase D1; minus strand). Cytogenetic location: 3q26.31.
Variant type: single nucleotide variant.
Coding change: c.2098C>T on transcript NM_002662.5 (MANE Select); coding-DNA position 2098, C replaced by T.
Protein change: p.Arg700Cys; replaces arginine 700 with cysteine.
Molecular consequence: missense variant.
Genome position (GRCh38, 1-based): chr3:171,676,732, G>A on the plus strand (C>T on the coding strand, the complement: PLD1 is on the minus strand). VCF-style: chr3-171676732-G-A. GRCh37 (hg19) VCF-style: chr3-171394522-G-A.
Other names: c.1984C>T, p.Arg662Cys (NM_001130081.3); short protein forms R662C, R700C.
Identifiers: ClinVar variation 1310434 (VCV001310434.5), dbSNP rs201247680, ClinGen allele CA2704390.
Genomic context (GRCh38, chr3:171,676,732, plus strand): 5'-CCTCTCTTCATGTGGATAAATCATGATAGCAACATCCAAGTACTTTTGTGAAGTTCCAGC[G>A]CTGGATGAAGTGACGTGCCACATCACGAGCCGCCTTCCCGTGGACTGCAGAGGCAATGTC-3'
Protein context (NP_002653.1, residues 690-710): ARDVARHFIQ[Arg700Cys]WNFTKIMKSK